The following is an entry in ClinVar:

NM_000355.4(TCN2):c.1021C>A (p.Pro341Thr)

Gene: TCN2 (transcobalamin 2; plus strand). Cytogenetic location: 22q12.2.
Variant type: single nucleotide variant.
Coding change: c.1021C>A on transcript NM_000355.4 (MANE Select); coding-DNA position 1021, C replaced by A.
Protein change: p.Pro341Thr; replaces proline 341 with threonine.
Molecular consequence: missense variant.
Genome position (GRCh38, 1-based): chr22:30,617,410, C>A. VCF-style: chr22-30617410-C-A. GRCh37 (hg19) VCF-style: chr22-31013397-C-A.
Other names: c.940C>A, p.Pro314Thr (NM_001184726.2); short protein forms P314T, P341T.
Identifiers: ClinVar variation 1406813 (VCV001406813.6), dbSNP rs746722274, ClinGen allele CA411215410.
Genomic context (GRCh38, chr22:30,617,410, plus strand): 5'-GAGACCATTCCTCAGACCCAAGAGATCATCAGTGTCACGCTGCAGGTGCTTAGTCTCTTG[C>A]CGCCGTACAGACAGTCCATCTCTGTTCTGGCCGGGTCCACCGTGGAAGATGTCCTGAAGA-3'
Protein context (NP_000346.2, residues 331-351): SVTLQVLSLL[Pro341Thr]PYRQSISVLA

ClinVar aggregate classification (germline): Uncertain significance (1 of 4 stars; one submission).

Conditions:
Transcobalamin II deficiency (TCN2D). Also called: TC II DEFICIENCY; TCN2 DEFICIENCY; Transcolabamin II deficiency. Identifiers: Orphanet 859, MedGen C0342701, MONDO:0010149, OMIM 275350.

gnomAD v4.1: 1 of 1,614,142 alleles (0.000062%); highest among the groups gnomAD compares: Non-Finnish European, 0.000085%; no homozygotes.

Submission:

Labcorp Genetics (formerly Invitae), Labcorp
Classification: Uncertain significance for Transcobalamin II deficiency. Last evaluated: 2021-07-22. Review status: criteria provided, single submitter. Criteria: Invitae Variant Classification Sherloc (09022015). Collection method: clinical testing. Allele origin: germline.
Comment: In summary, the available evidence is currently insufficient to determine the role of this variant in disease. Therefore, it has been classified as a Variant of Uncertain Significance. Algorithms developed to predict the effect of missense changes on protein structure and function (SIFT, PolyPhen-2, Align-GVGD) all suggest that this variant is likely to be tolerated. This variant has not been reported in the literature in individuals affected with TCN2-related conditions. This variant is not present in population databases (ExAC no frequency). This sequence change replaces proline with threonine at codon 341 of the TCN2 protein (p.Pro341Thr). The proline residue is moderately conserved and there is a small physicochemical difference between proline and threonine.